The following is an entry in ClinVar:

ClinVar aggregate classification (germline): Uncertain significance (1 of 4 stars; one submission).

Conditions:
Charcot-Marie-Tooth disease type 2. Also called: Charcot-Marie-Tooth type 2. Identifiers: Orphanet 64746, MedGen C0270914, MONDO:0018993.

Allele frequency attached by ClinVar (database versions not stated): TOPMed below 0.00001; gnomAD 0.00001.
gnomAD v4.1: 1 of 1,613,718 alleles (0.000062%); highest among the groups gnomAD compares: African/African-American, 0.0013%; no homozygotes.

Submission:

Labcorp Genetics (formerly Invitae), Labcorp
Classification: Uncertain significance for Charcot-Marie-Tooth disease type 2. Last evaluated: 2025-08-10. Review status: criteria provided, single submitter. Criteria: Invitae Variant Classification Sherloc (09022015). Collection method: clinical testing. Allele origin: germline.
Comment: This sequence change falls in intron 4 of the BSCL2 gene. It does not directly change the encoded amino acid sequence of the BSCL2 protein. It affects a nucleotide within the consensus splice site. This variant is not present in population databases (gnomAD no frequency). This variant has not been reported in the literature in individuals affected with BSCL2-related conditions. ClinVar contains an entry for this variant (Variation ID: 1951282). Variants that disrupt the consensus splice site are a relatively common cause of aberrant splicing (PMID: 17576681, 9536098). Algorithms developed to predict the effect of sequence changes on RNA splicing suggest that this variant is not likely to affect RNA splicing. In summary, the available evidence is currently insufficient to determine the role of this variant in disease. Therefore, it has been classified as a Variant of Uncertain Significance.

Literature cited by the submitters: PubMed 17576681; PubMed 9536098.

NM_001122955.4(BSCL2):c.630+4A>G

Genes: BSCL2 (BSCL2 lipid droplet biogenesis associated, seipin; minus strand), HNRNPUL2-BSCL2 (HNRNPUL2-BSCL2 readthrough (NMD candidate); minus strand). Cytogenetic location: 11q12.3.
Variant type: single nucleotide variant.
Coding change: c.630+4A>G on transcript NM_001122955.4 (MANE Select); 4 bases into the intron after coding-DNA position 630, A replaced by G.
Molecular consequence: intron variant.
Genome position (GRCh38, 1-based): chr11:62,694,564, T>C on the plus strand (A>G on the coding strand, the complement: BSCL2 is on the minus strand). VCF-style: chr11-62694564-T-C. GRCh37 (hg19) VCF-style: chr11-62462036-T-C.
Other names: c.438+4A>G (NM_001130702.2, NM_032667.6); c.630+4A>G (NM_001386028.1, NM_001386027.1).
Identifiers: ClinVar variation 1951282 (VCV001951282.5), dbSNP rs1945400113, ClinGen allele CA938685562.